The following is an entry in ClinVar:

NM_001303256.3(MORC2):c.520A>C (p.Lys174Gln)

Gene: MORC2 (MORC family CW-type zinc finger 2; minus strand). Cytogenetic location: 22q12.2.
Variant type: single nucleotide variant.
Coding change: c.520A>C on transcript NM_001303256.3 (MANE Select); coding-DNA position 520, A replaced by C.
Protein change: p.Lys174Gln; replaces lysine 174 with glutamine.
Molecular consequence: missense variant.
Genome position (GRCh38, 1-based): chr22:30,942,178, T>G on the plus strand (A>C on the coding strand, the complement: MORC2 is on the minus strand). VCF-style: chr22-30942178-T-G. GRCh37 (hg19) VCF-style: chr22-31338165-T-G.
Other names: c.520A>C, p.Lys174Gln (NM_001303257.2); c.334A>C, p.Lys112Gln (NM_014941.3); short protein forms K112Q, K174Q.
Identifiers: ClinVar variation 4886239 (VCV004886239.2).

ClinVar aggregate classification (germline): Uncertain significance (1 of 4 stars; one submission).

Submission:

Dasa
Classification: Uncertain significance. Last evaluated: 2025-01-03. Review status: criteria provided, single submitter. Criteria: DASA Assertion Criteria. Collection method: clinical testing. Allele origin: germline.
Comment: NM_001303256.3(MORC2):c.520A>C (p.Lys174Gln) is a missense variant that results in the substitution of lysine with glutamine. This variant is absent from population databases. The currently available literature and clinical evidence are not sufficient to establish a definitive association between this variant and the reported condition. Therefore, this variant is classified as a variant of uncertain significance.